The following is an entry in ClinVar:

ClinVar aggregate classification (germline): Likely pathogenic (1 of 4 stars; one submission).

Conditions:
Breast-ovarian cancer, familial, susceptibility to, 2 (BROVCA2). Also called: BRCA2 Hereditary Breast and Ovarian Cancer. Identifiers: Orphanet 145, MedGen C2675520, MONDO:0012933, OMIM 612555. Disease mechanism: loss of function.

Submission:

Laboratorio de Genetica e Diagnostico Molecular, Hospital Israelita Albert Einstein
Classification: Likely pathogenic for Breast-ovarian cancer, familial, susceptibility to, 2. Last evaluated: 2021-10-18. Review status: criteria provided, single submitter. Criteria: ACMG Guidelines, 2015. Collection method: clinical testing. Allele origin: germline. Affected: yes.
Comment: ACMG classification criteria: PVS1 very strong, PM2 moderate

NM_000059.4(BRCA2):c.8715T>A (p.Tyr2905Ter)

Gene: BRCA2 (BRCA2 DNA repair associated; plus strand). Cytogenetic location: 13q13.1.
Variant type: single nucleotide variant.
Coding change: c.8715T>A on transcript NM_000059.4 (MANE Select); coding-DNA position 8715, T replaced by A.
Protein change: p.Tyr2905Ter; replaces tyrosine 2905 with a stop codon.
Molecular consequence: nonsense.
Genome position (GRCh38, 1-based): chr13:32,376,752, T>A. VCF-style: chr13-32376752-T-A. GRCh37 (hg19) VCF-style: chr13-32950889-T-A.
Other names: short protein forms Y2905*.
Identifiers: ClinVar variation 1683534 (VCV001683534.2), dbSNP rs45555831, ClinGen allele CA387754925.